The following is an entry in ClinVar:

ClinVar aggregate classification (germline): Benign. Review status: criteria provided, multiple submitters, no conflicts (2 of 4 stars). 2 submissions from 2 submitters: Benign (2). Last evaluated 2019-01-18.

Allele frequency attached by ClinVar (database versions not stated): 1000 Genomes Project 0.15775; 1000 Genomes Project 30x 0.16099; TOPMed 0.24038; gnomAD 0.25264 and 0.26030; gnomAD exomes 0.27141.

Submissions (2):

GeneDx
Classification: Benign. Last evaluated: 2019-01-18. Review status: criteria provided, single submitter. Criteria: GeneDx Variant Classification Process June 2021. Collection method: clinical testing. Allele origin: germline. Affected: yes.
Comment: This variant is associated with the following publications: (PMID: 27601076)

Breakthrough Genomics
Classification: Benign. Review status: criteria provided, single submitter. Criteria: ACMG Guidelines, 2015. Collection method: not provided. Allele origin: germline. Inheritance: Unknown mechanism. Affected: yes.

NM_152363.6(ANKLE1):c.461-109C>A

Gene: ANKLE1 (ankyrin repeat and LEM domain containing 1; plus strand). Cytogenetic location: 19p13.11.
Variant type: single nucleotide variant.
Coding change: c.461-109C>A on transcript NM_152363.6 (MANE Select); 109 bases into the intron before coding-DNA position 461, C replaced by A.
Molecular consequence: intron variant.
Genome position (GRCh38, 1-based): chr19:17,283,116, C>A. VCF-style: chr19-17283116-C-A. GRCh37 (hg19) VCF-style: chr19-17393925-C-A.
Other names: c.461-109C>A (NM_001278444.2); c.419-109C>A (NM_001278445.2); c.428-109C>A (NM_001278443.2).
Identifiers: ClinVar variation 1281673 (VCV001281673.2), dbSNP rs56069439, ClinGen allele CA14637467.
Genomic context (GRCh38, chr19:17,283,116, plus strand): 5'-ATCCAGGGTCTTCCCCACCCCACCCATTGGTTCTGACCGTCTCACATCCACTATTTGTGG[C>A]CAGCTCTTTCGGCCTCAGACACTCTGATCTCCTTTTTCTGTTTGATCCTATTCTCATCGC-3'